The following is an entry in ClinVar:

NM_000179.3(MSH6):c.291G>C (p.Trp97Cys)

Gene: MSH6 (mutS homolog 6; plus strand). Cytogenetic location: 2p16.3.
Variant type: single nucleotide variant.
Coding change: c.291G>C on transcript NM_000179.3 (MANE Select); coding-DNA position 291, G replaced by C.
Protein change: p.Trp97Cys; replaces tryptophan 97 with cysteine.
Molecular consequence: missense variant. On other transcripts: 5 prime UTR variant (2), intron variant (1).
Genome position (GRCh38, 1-based): chr2:47,790,957, G>C. VCF-style: chr2-47790957-G-C. GRCh37 (hg19) VCF-style: chr2-48018096-G-C.
Other names: c.-446G>C (NM_001281493.2); c.-612G>C (NM_001281494.2); c.237+7487G>C (NM_001281492.2); short protein forms W97C.
Identifiers: ClinVar variation 822271 (VCV000822271.14), dbSNP rs1572708589, ClinGen allele CA346736648.
Genomic context (GRCh38, chr2:47,790,957, plus strand): 5'-ACTAAGTTATGTATTTCCTTTTGGCAACAGTTGTGACTTCTCACCAGGAGATTTGGTTTG[G>C]GCCAAGATGGAGGGTTACCCCTGGTGGCCTTGTCTGGTTTACAACCACCCCTTTGATGGA-3'
Protein context (NP_000170.1, residues 87-107): SCDFSPGDLV[Trp97Cys]AKMEGYPWWP

ClinVar aggregate classification (germline): Uncertain significance. Review status: criteria provided, multiple submitters, no conflicts (2 of 4 stars). 2 submissions from 2 submitters: Uncertain significance (2). Last evaluated 2023-04-22.

Conditions:
Hereditary nonpolyposis colorectal neoplasms. Identifiers: MedGen C0009405, MeSH D003123.
Hereditary cancer-predisposing syndrome. Also called: Tumor predisposition; Hereditary Cancer Syndrome; Neoplastic Syndromes, Hereditary; Hereditary neoplastic syndrome. Identifiers: Orphanet 140162, MedGen C0027672, MeSH D009386, MONDO:0015356.

Submissions (2):

Labcorp Genetics (formerly Invitae), Labcorp
Classification: Uncertain significance for Hereditary nonpolyposis colorectal neoplasms. Last evaluated: 2023-04-22. Review status: criteria provided, single submitter. Criteria: Invitae Variant Classification Sherloc (09022015). Collection method: clinical testing. Allele origin: germline.
Comment: Advanced modeling of protein sequence and biophysical properties (such as structural, functional, and spatial information, amino acid conservation, physicochemical variation, residue mobility, and thermodynamic stability) performed at Invitae indicates that this missense variant is expected to disrupt MSH6 protein function. In summary, the available evidence is currently insufficient to determine the role of this variant in disease. Therefore, it has been classified as a Variant of Uncertain Significance. This sequence change replaces tryptophan, which is neutral and slightly polar, with cysteine, which is neutral and slightly polar, at codon 97 of the MSH6 protein (p.Trp97Cys). This variant is not present in population databases (gnomAD no frequency). This variant has not been reported in the literature in individuals affected with MSH6-related conditions. ClinVar contains an entry for this variant (Variation ID: 822271).

Ambry Genetics
Classification: Uncertain significance for Hereditary cancer-predisposing syndrome. Last evaluated: 2018-03-29. Review status: criteria provided, single submitter. Criteria: Ambry Variant Classification Scheme 2023. Collection method: clinical testing. Allele origin: germline.
Comment: The p.W97C variant (also known as c.291G>C), located in coding exon 2 of the MSH6 gene, results from a G to C substitution at nucleotide position 291. The tryptophan at codon 97 is replaced by cysteine, an amino acid with highly dissimilar properties. This amino acid position is highly conserved in available vertebrate species. In addition, this alteration is predicted to be deleterious by in silico analysis. In addition, the CoDP in silico tool predicts this alteration likely to impact on molecular function, with a score of 0.888 (Terui H et al. J. Biomed. Sci. 2013 Apr;20:25). Since supporting evidence is limited at this time, the clinical significance of this alteration remains unclear.